The following is an entry in ClinVar:

NM_001903.5(CTNNA1):c.1456C>A (p.Leu486Ile)

Gene: CTNNA1 (catenin alpha 1; plus strand). Cytogenetic location: 5q31.2.
Variant type: single nucleotide variant.
Coding change: c.1456C>A on transcript NM_001903.5 (MANE Select); coding-DNA position 1456, C replaced by A.
Protein change: p.Leu486Ile; replaces leucine 486 with isoleucine.
Molecular consequence: missense variant.
Genome position (GRCh38, 1-based): chr5:138,917,808, C>A. VCF-style: chr5-138917808-C-A. GRCh37 (hg19) VCF-style: chr5-138253497-C-A.
Other names: c.1456C>A, p.Leu486Ile (NM_001290307.3, NM_001323982.2, NM_001323983.1 and 2 more transcripts); c.1147C>A, p.Leu383Ile (NM_001290309.3); c.1087C>A, p.Leu363Ile (NM_001290310.3); c.346C>A, p.Leu116Ile (NM_001290312.1, NM_001323987.1, NM_001323988.1 and 17 more transcripts); c.1363C>A, p.Leu455Ile (NM_001323986.2); c.7C>A, p.Leu3Ile (NM_001324006.1, NM_001324007.1, NM_001324008.1 and 2 more transcripts); c.253C>A, p.Leu85Ile (NM_001324011.1); c.103C>A, p.Leu35Ile (NM_001324012.1, NM_001324013.1); short protein forms L363I, L455I, L116I, L486I, L35I, L3I, L85I, L383I.
Identifiers: ClinVar variation 1773057 (VCV001773057.7), dbSNP rs2150234175, ClinGen allele CA361137226.
Genomic context (GRCh38, chr5:138,917,808, plus strand): 5'-AATGCTGCACTGGCTTTAGCAGCAAAACCACAGAGTAAACTGGCCCAAGAGAACATGGAT[C>A]TTTTTAAAGAACAATGGGAAAAACAAGTCCGTGTTCTCACAGATGCTGTCGATGACATTA-3'
Protein context (NP_001894.2, residues 476-496): QSKLAQENMD[Leu486Ile]FKEQWEKQVR

ClinVar aggregate classification (germline): Uncertain significance. Review status: criteria provided, multiple submitters, no conflicts (2 of 4 stars). 2 submissions from 2 submitters: Uncertain significance (2). Last evaluated 2022-04-02.

Conditions:
Hereditary cancer-predisposing syndrome. Also called: Hereditary Cancer Syndrome; Hereditary neoplastic syndrome; Neoplastic Syndromes, Hereditary; Tumor predisposition. Identifiers: Orphanet 140162, MedGen C0027672, MeSH D009386, MONDO:0015356.

Allele frequency attached by ClinVar (database versions not stated): gnomAD exomes 0.00001.
gnomAD v4.1: 6 of 1,614,110 alleles (0.00037%); highest among the groups gnomAD compares: Non-Finnish European, 0.00051%; no homozygotes.

Submissions (2):

Labcorp Genetics (formerly Invitae), Labcorp
Classification: Uncertain significance. Last evaluated: 2022-04-02. Review status: criteria provided, single submitter. Criteria: Invitae Variant Classification Sherloc (09022015). Collection method: clinical testing. Allele origin: germline.
Comment: In summary, the available evidence is currently insufficient to determine the role of this variant in disease. Therefore, it has been classified as a Variant of Uncertain Significance. Algorithms developed to predict the effect of missense changes on protein structure and function are either unavailable or do not agree on the potential impact of this missense change (SIFT: "Deleterious"; PolyPhen-2: "Benign"; Align-GVGD: "Class C0"). This variant has not been reported in the literature in individuals affected with CTNNA1-related conditions. This variant is not present in population databases (gnomAD no frequency). This sequence change replaces leucine, which is neutral and non-polar, with isoleucine, which is neutral and non-polar, at codon 486 of the CTNNA1 protein (p.Leu486Ile).

Ambry Genetics
Classification: Uncertain significance for Hereditary cancer-predisposing syndrome. Last evaluated: 2022-02-23. Review status: criteria provided, single submitter. Criteria: Ambry Variant Classification Scheme 2023. Collection method: clinical testing. Allele origin: germline.
Comment: The p.L486I variant (also known as c.1456C>A), located in coding exon 10 of the CTNNA1 gene, results from a C to A substitution at nucleotide position 1456. The leucine at codon 486 is replaced by isoleucine, an amino acid with highly similar properties. This amino acid position is conserved. In addition, this alteration is predicted to be tolerated by in silico analysis. Since supporting evidence is limited at this time, the clinical significance of this alteration remains unclear.